The following is an entry in ClinVar:

NM_014989.7(RIMS1):c.1224G>C (p.Lys408Asn)

Gene: RIMS1 (regulating synaptic membrane exocytosis 1; plus strand). Cytogenetic location: 6q13.
Variant type: single nucleotide variant.
Coding change: c.1224G>C on transcript NM_014989.7 (MANE Select); coding-DNA position 1224, G replaced by C.
Protein change: p.Lys408Asn; replaces lysine 408 with asparagine.
Molecular consequence: missense variant.
Genome position (GRCh38, 1-based): chr6:72,182,695, G>C. VCF-style: chr6-72182695-G-C. GRCh37 (hg19) VCF-style: chr6-72892398-G-C.
Other names: short protein forms K408N.
Identifiers: ClinVar variation 1997960 (VCV001997960.4), dbSNP rs2048541657, ClinGen allele CA364820516.

ClinVar aggregate classification (germline): Uncertain significance (1 of 4 stars; one submission).

Submission:

Labcorp Genetics (formerly Invitae), Labcorp
Classification: Uncertain significance. Last evaluated: 2022-05-22. Review status: criteria provided, single submitter. Criteria: Invitae Variant Classification Sherloc (09022015). Collection method: clinical testing. Allele origin: germline.
Comment: This sequence change replaces lysine, which is basic and polar, with asparagine, which is neutral and polar, at codon 408 of the RIMS1 protein (p.Lys408Asn). This variant is not present in population databases (gnomAD no frequency). This variant has not been reported in the literature in individuals affected with RIMS1-related conditions. Algorithms developed to predict the effect of missense changes on protein structure and function (SIFT, PolyPhen-2, Align-GVGD) all suggest that this variant is likely to be tolerated. In summary, the available evidence is currently insufficient to determine the role of this variant in disease. Therefore, it has been classified as a Variant of Uncertain Significance.